The following is an entry in ClinVar:

NM_006767.4(LZTR1):c.1681_1683delinsTGT (p.Arg561Cys)

Gene: LZTR1 (leucine zipper like post translational regulator 1; plus strand). Cytogenetic location: 22q11.21.
Variant type: Indel.
Coding change: c.1681_1683delinsTGT on transcript NM_006767.4 (MANE Select); coding-DNA positions 1681 to 1683, CGC replaced by TGT.
Protein change: p.Arg561Cys; replaces arginine 561 with cysteine.
Molecular consequence: missense variant.
Genome position (GRCh38, 1-based): chr22:20,994,623-20,994,625, CGC replaced by TGT. VCF-style: chr22-20994623-CGC-TGT. GRCh37 (hg19) VCF-style: chr22-21348912-CGC-TGT.
Other names: short protein forms R561C.
Identifiers: ClinVar variation 2447708 (VCV002447708.3), dbSNP rs2518621775, ClinGen allele CA2580099210.

ClinVar aggregate classification (germline): Uncertain significance (1 of 4 stars; one submission).

Conditions:
Cardiovascular phenotype. Identifiers: MedGen CN230736.
Hereditary cancer-predisposing syndrome. Also called: Neoplastic Syndromes, Hereditary; Hereditary Cancer Syndrome; Tumor predisposition; Hereditary neoplastic syndrome. Identifiers: Orphanet 140162, MedGen C0027672, MeSH D009386, MONDO:0015356.

Submission:

Ambry Genetics
Classification: Uncertain significance for Cardiovascular phenotype; Hereditary cancer-predisposing syndrome. Last evaluated: 2025-03-27. Review status: criteria provided, single submitter. Criteria: Ambry Variant Classification Scheme 2023. Collection method: clinical testing. Allele origin: germline.
Comment: The c.1681_1683delCGCinsTGT variant (also known as p.R561C), located in coding exon 15 of the LZTR1 gene, results from an in-frame deletion of CGC and insertion of TGT at nucleotide positions 1681 to 1683. This results in the substitution of the arginine residue for a cysteine residue at codon 561, an amino acid with highly dissimilar properties. This amino acid position is highly conserved in available vertebrate species. In addition, this alteration is predicted to be deleterious by in silico analysis. Based on the available evidence, the clinical significance of this variant remains unclear.